The following is an entry in ClinVar:

ClinVar aggregate classification (germline): Uncertain significance (1 of 4 stars; one submission).

Submission:

GeneDx
Classification: Uncertain significance. Last evaluated: 2026-10-09. Review status: criteria provided, single submitter. Criteria: GeneDx Variant Classification Process June 2021. Collection method: clinical testing. Allele origin: germline.
Comment: Not observed at significant frequency in large population cohorts (gnomAD); In silico analysis suggests that this missense variant does not alter protein structure/function; Has not been previously published as pathogenic or benign to our knowledge; This variant is associated with the following publications: (PMID: 25609763, 26100331, 25512093)

NM_001376.5(DYNC1H1):c.11662G>A (p.Ala3888Thr)

Gene: DYNC1H1 (dynein cytoplasmic 1 heavy chain 1; plus strand). Cytogenetic location: 14q32.31.
Variant type: single nucleotide variant.
Coding change: c.11662G>A on transcript NM_001376.5 (MANE Select); coding-DNA position 11662, G replaced by A.
Protein change: p.Ala3888Thr; replaces alanine 3888 with threonine.
Molecular consequence: missense variant.
Genome position (GRCh38, 1-based): chr14:102,039,704, G>A. VCF-style: chr14-102039704-G-A. GRCh37 (hg19) VCF-style: chr14-102506041-G-A.
Other names: short protein forms A3888T.
Identifiers: ClinVar variation 5009967 (VCV005009967.2).